The following is an entry in ClinVar:

ClinVar aggregate classification (germline): Pathogenic (1 of 4 stars; one submission).

Conditions:
Alstrom syndrome (ALMS). Identifiers: Orphanet 64, MedGen C0268425, MONDO:0008763, OMIM 203800.

Submission:

Labcorp Genetics (formerly Invitae), Labcorp
Classification: Pathogenic for Alstrom syndrome. Last evaluated: 2025-10-25. Review status: criteria provided, single submitter. Criteria: Invitae Variant Classification Sherloc (09022015). Collection method: clinical testing. Allele origin: germline.
Comment: This sequence change creates a premature translational stop signal (p.Ser3860Tyrfs*7) in the ALMS1 gene. It is expected to result in an absent or disrupted protein product. Loss-of-function variants in ALMS1 are known to be pathogenic (PMID: 17594715). This variant is not present in population databases (gnomAD no frequency). This variant has not been reported in the literature in individuals affected with ALMS1-related conditions. ClinVar contains an entry for this variant (Variation ID: 848177). For these reasons, this variant has been classified as Pathogenic.

Literature cited by the submitters: PubMed 17594715.

NM_001378454.1(ALMS1):c.11576_11577del (p.Ser3859fs)

Gene: ALMS1 (ALMS1 centrosome and basal body associated protein; plus strand). Cytogenetic location: 2p13.1.
Variant type: Microsatellite.
Coding change: c.11576_11577del on transcript NM_001378454.1 (MANE Select); coding-DNA positions 11576 to 11577, 2 bases deleted (CT; older notation c.11576_11577delCT).
Protein change: p.Ser3859fs; shifts the reading frame from serine 3859.
Molecular consequence: frameshift variant.
Genome position (GRCh38, 1-based): chr2:73,599,429-73,599,430, CT deleted; deleting any 2 consecutive bases within chr2:73,599,427-73,599,430 gives the same sequence; the c. name uses the placement nearest the transcript's 3' end. VCF-style (leftmost placement, unchanged base first): chr2-73599426-ACT-A. GRCh37 (hg19) VCF-style: chr2-73826553-ACT-A.
Other names: c.11579_11580del, p.Ser3860fs (NM_015120.4); short protein forms S3859fs, S3860fs.
Identifiers: ClinVar variation 848177 (VCV000848177.7), dbSNP rs1675623302, ClinGen allele CA916082190.
Genomic context (GRCh38, chr2:73,599,426, plus strand): 5'-AGGTAATAATAACAAGATCTCTTTTATTTTTCTAGGTAGCAAACCATGTGATTTCTTCTG[ACT>A]CTATTTCCTCTTCTGCCAGTAGTTTCCTGAGCTCAAACTCTACTTTTTGCAACAAGCAGA-3'